The following is an entry in ClinVar:

ClinVar aggregate classification (germline): Uncertain significance (1 of 4 stars; one submission).

Allele frequency attached by ClinVar (database versions not stated): TOPMed below 0.00001.

Submission:

Labcorp Genetics (formerly Invitae), Labcorp
Classification: Uncertain significance. Last evaluated: 2025-06-12. Review status: criteria provided, single submitter. Criteria: Invitae Variant Classification Sherloc (09022015). Collection method: clinical testing. Allele origin: germline.
Comment: This sequence change creates a premature translational stop signal (p.Arg204*) in the NUP205 gene. It is expected to result in an absent or disrupted protein product. However, the current clinical and genetic evidence is not sufficient to establish whether loss-of-function variants in NUP205 cause disease. This variant is not present in population databases (gnomAD no frequency). This variant has not been reported in the literature in individuals affected with NUP205-related conditions. ClinVar contains an entry for this variant (Variation ID: 1958448). Algorithms developed to predict the effect of sequence changes on RNA splicing suggest that this variant may disrupt the consensus splice site. In summary, the available evidence is currently insufficient to determine the role of this variant in disease. Therefore, it has been classified as a Variant of Uncertain Significance.

NM_015135.3(NUP205):c.610C>T (p.Arg204Ter)

Gene: NUP205 (nucleoporin 205; plus strand). Cytogenetic location: 7q33.
Variant type: single nucleotide variant.
Coding change: c.610C>T on transcript NM_015135.3 (MANE Select); coding-DNA position 610, C replaced by T.
Protein change: p.Arg204Ter; replaces arginine 204 with a stop codon.
Molecular consequence: nonsense. On other transcripts: 5 prime UTR variant (1).
Genome position (GRCh38, 1-based): chr7:135,577,090, C>T. VCF-style: chr7-135577090-C-T. GRCh37 (hg19) VCF-style: chr7-135261838-C-T.
Other names: c.-476C>T (NM_001329434.2); short protein forms R204*.
Identifiers: ClinVar variation 1958448 (VCV001958448.5), dbSNP rs1806172745, ClinGen allele CA369349366.